The following is an entry in ClinVar:

ClinVar aggregate classification (germline): Conflicting classifications of pathogenicity. Review status: criteria provided, conflicting classifications (1 of 4 stars). 10 submissions from 6 submitters: Uncertain significance (5); Benign (1); Likely benign (4). Last evaluated 2026-08-01.

Conditions:
Nephronophthisis. Also called: Juvenile Nephronophthisis. Identifiers: Orphanet 655, MedGen C0687120, MONDO:0019005, HP:0000090.
Meckel-Gruber syndrome. Also called: Dysencephalia splachnocystica; DYSENCEPHALIA SPLANCHNOCYSTICA; GRUBER SYNDROME. Identifiers: Orphanet 564, MedGen C0265215, MONDO:0018921.
Joubert syndrome. Also called: JOUBERT-BOLTSHAUSER SYNDROME; Familial aplasia of the vermis. Identifiers: Orphanet 475, MedGen C5979921, MONDO:0018772.
Retinal dystrophy. Also called: Inherited retinal dystrophy. Identifiers: Orphanet 71862, MedGen C0854723, MeSH D058499, MONDO:0019118, HP:0000556.
Meckel syndrome, type 4 (MKS4). Also called: MECKEL-GRUBER SYNDROME, TYPE 4. Identifiers: Orphanet 564, MedGen C1970161, MONDO:0012626, OMIM 611134.
Bardet-Biedl syndrome 14 (BBS14). Identifiers: Orphanet 110, MedGen C2673874, MONDO:0014442, OMIM 615991.
Joubert syndrome 5 (JBTS5). Identifiers: Orphanet 2318, MedGen C1857780, MONDO:0012432, OMIM 610188.
Senior-Loken syndrome 6 (SLSN6). Identifiers: Orphanet 3156, MedGen C1857779, MONDO:0012433, OMIM 610189.
Leber congenital amaurosis 10 (LCA10). Identifiers: Orphanet 65, MedGen C1857821, MONDO:0012723, OMIM 611755.

Allele frequency attached by ClinVar (database versions not stated): gnomAD 0.00017 and 0.00026; gnomAD exomes 0.00019 and 0.00050; TOPMed 0.00031; ExAC 0.00046; 1000 Genomes Project 30x 0.00078; 1000 Genomes Project 0.00100.
gnomAD v4.1: 321 of 1,613,236 alleles (0.02%); highest among the groups gnomAD compares: East Asian, 0.58%; 1 homozygote.

Submissions (10):

CeGaT Center for Human Genetics Tuebingen
Classification: Likely benign. Last evaluated: 2026-08-01. Review status: criteria provided, single submitter. Criteria: CeGaT Center For Human Genetics Tuebingen Variant Classification Criteria Version 2. Collection method: clinical testing. Allele origin: germline. Affected: yes. Observed: 1 variant allele.
Comment: CEP290: BP4, BP7

Labcorp Genetics (formerly Invitae), Labcorp
Classification: Benign for Joubert syndrome; Meckel-Gruber syndrome; Nephronophthisis. Last evaluated: 2026-02-02. Review status: criteria provided, single submitter. Criteria: Invitae Variant Classification Sherloc (09022015). Collection method: clinical testing. Allele origin: germline.

Blueprint Genetics
Classification: Likely benign. Last evaluated: 2024-11-06. Review status: criteria provided, single submitter. Criteria: ACMG Guidelines, 2015. Collection method: clinical testing. Allele origin: germline.

Dept Of Ophthalmology, Nagoya University
Classification: Likely benign for Retinal dystrophy. Last evaluated: 2023-10-01. Review status: criteria provided, single submitter. Criteria: Submitter's publication. Collection method: research. Allele origin: germline. Affected: yes.

Genetic Services Laboratory, University of Chicago
Classification: Likely benign. Last evaluated: 2017-08-25. Review status: criteria provided, single submitter. Criteria: ACMG Guidelines, 2015. Collection method: clinical testing. Allele origin: germline. Affected: no.

Illumina Laboratory Services, Illumina
Classification: Uncertain significance for Bardet-Biedl syndrome 14. Last evaluated: 2017-04-27. Review status: criteria provided, single submitter. Criteria: ICSL Variant Classification Criteria 13 December 2019. Collection method: clinical testing. Allele origin: germline.

Illumina Laboratory Services, Illumina
Classification: Uncertain significance for Meckel syndrome, type 4. Last evaluated: 2017-04-27. Review status: criteria provided, single submitter. Criteria: ICSL Variant Classification Criteria 13 December 2019. Collection method: clinical testing. Allele origin: germline.

Illumina Laboratory Services, Illumina
Classification: Uncertain significance for Joubert syndrome 5. Last evaluated: 2017-04-27. Review status: criteria provided, single submitter. Criteria: ICSL Variant Classification Criteria 13 December 2019. Collection method: clinical testing. Allele origin: germline.

Illumina Laboratory Services, Illumina
Classification: Uncertain significance for Senior-Loken syndrome 6. Last evaluated: 2017-04-27. Review status: criteria provided, single submitter. Criteria: ICSL Variant Classification Criteria 13 December 2019. Collection method: clinical testing. Allele origin: germline.

Illumina Laboratory Services, Illumina
Classification: Uncertain significance for Leber congenital amaurosis 10. Last evaluated: 2017-04-27. Review status: criteria provided, single submitter. Criteria: ICSL Variant Classification Criteria 13 December 2019. Collection method: clinical testing. Allele origin: germline.

NM_025114.4(CEP290):c.384T>C (p.Asp128=)

Gene: CEP290 (centrosomal protein 290; minus strand). Cytogenetic location: 12q21.32.
Variant type: single nucleotide variant.
Coding change: c.384T>C on transcript NM_025114.4 (MANE Select); coding-DNA position 384, T replaced by C.
Protein change: p.Asp128=; no amino-acid change (aspartic acid 128 retained).
Molecular consequence: synonymous variant.
Genome position (GRCh38, 1-based): chr12:88,136,700, A>G on the plus strand (T>C on the coding strand, the complement: CEP290 is on the minus strand). VCF-style: chr12-88136700-A-G. GRCh37 (hg19) VCF-style: chr12-88530477-A-G.
Identifiers: ClinVar variation 461782 (VCV000461782.22), dbSNP rs76267039, ClinGen allele CA6712816.